The following is an entry in ClinVar:

ClinVar aggregate classification (germline): Uncertain significance (1 of 4 stars; one submission).

Allele frequency attached by ClinVar (database versions not stated): ExAC 0.00001; gnomAD exomes 0.00001 and 0.00003; TOPMed 0.00004; gnomAD 0.00006 and 0.00007.
gnomAD v4.1: 52 of 1,614,044 alleles (0.0032%); highest among the groups gnomAD compares: African/African-American, 0.011%; no homozygotes.

Submission:

Labcorp Genetics (formerly Invitae), Labcorp
Classification: Uncertain significance. Last evaluated: 2022-06-02. Review status: criteria provided, single submitter. Criteria: Invitae Variant Classification Sherloc (09022015). Collection method: clinical testing. Allele origin: germline.
Comment: This sequence change replaces glutamic acid, which is acidic and polar, with lysine, which is basic and polar, at codon 3081 of the SZT2 protein (p.Glu3081Lys). This variant is present in population databases (rs199942723, gnomAD 0.004%). This variant has not been reported in the literature in individuals affected with SZT2-related conditions. ClinVar contains an entry for this variant (Variation ID: 942326). Algorithms developed to predict the effect of missense changes on protein structure and function are either unavailable or do not agree on the potential impact of this missense change (SIFT: "Tolerated"; PolyPhen-2: "Probably Damaging"; Align-GVGD: "Class C0"). In summary, the available evidence is currently insufficient to determine the role of this variant in disease. Therefore, it has been classified as a Variant of Uncertain Significance.

NM_001365999.1(SZT2):c.9412G>A (p.Glu3138Lys)

Gene: SZT2 (SZT2 subunit of KICSTOR complex; plus strand). Cytogenetic location: 1p34.2.
Variant type: single nucleotide variant.
Coding change: c.9412G>A on transcript NM_001365999.1 (MANE Select); coding-DNA position 9412, G replaced by A.
Protein change: p.Glu3138Lys; replaces glutamic acid 3138 with lysine.
Molecular consequence: missense variant.
Genome position (GRCh38, 1-based): chr1:43,447,670, G>A. VCF-style: chr1-43447670-G-A. GRCh37 (hg19) VCF-style: chr1-43913341-G-A.
Other names: c.9241G>A, p.Glu3081Lys (NM_015284.4); short protein forms E3138K, E3081K.
Identifiers: ClinVar variation 942326 (VCV000942326.5), dbSNP rs199942723, ClinGen allele CA810897.